The following is an entry in ClinVar:

NM_000135.4(FANCA):c.4253T>C (p.Val1418Ala)

Genes: FANCA (FA complementation group A; minus strand), ZNF276 (zinc finger protein 276; plus strand). Cytogenetic location: 16q24.3.
Variant type: single nucleotide variant.
Coding change: c.4253T>C on transcript NM_000135.4 (MANE Select); coding-DNA position 4253, T replaced by C.
Protein change: p.Val1418Ala; replaces valine 1418 with alanine.
Molecular consequence: missense variant. On other transcripts: synonymous variant (1), 3 prime UTR variant (2), non-coding transcript variant (4).
Genome position (GRCh38, 1-based): chr16:89,738,889, A>G on the plus strand (T>C on the coding strand, the complement: FANCA is on the minus strand). VCF-style: chr16-89738889-A-G. GRCh37 (hg19) VCF-style: chr16-89805297-A-G.
Other names: c.4257T>C, p.Arg1419= (NM_001286167.3); c.*643A>G (NM_001113525.2, NM_152287.4); short protein forms V1418A.
Identifiers: ClinVar variation 1934118 (VCV001934118.2), dbSNP rs2544075766, ClinGen allele CA397483222.
Genomic context (GRCh38, chr16:89,738,889, plus strand): 5'-GCTGTCAATTCTCATGTCCCCCACATGGCCCAAGGTGGGCATCTTGACGTTACCTCTGCC[A>G]CGTGTGAGAAGCTCTTTTTCGGGCACCGAGGTATTAACTGCAGCAGAAAAAGACGAGCTT-3'
Protein context (NP_000126.2, residues 1408-1428): PRCPKKSFSH[Val1418Ala]AELLADRGDC

ClinVar aggregate classification (germline): Uncertain significance (1 of 4 stars; one submission).

Conditions:
Fanconi anemia (FA). Also called: Fanconi's anemia. Identifiers: Orphanet 84, MedGen C0015625, MeSH D005199, MONDO:0019391.

Allele frequency attached by ClinVar (database versions not stated): gnomAD exomes below 0.00001.
gnomAD v4.1: 1 of 1,614,260 alleles (0.000062%); highest among the groups gnomAD compares: Non-Finnish European, 0.000085%; no homozygotes.

Submission:

Labcorp Genetics (formerly Invitae), Labcorp
Classification: Uncertain significance for Fanconi anemia. Last evaluated: 2022-01-11. Review status: criteria provided, single submitter. Criteria: Invitae Variant Classification Sherloc (09022015). Collection method: clinical testing. Allele origin: germline.
Comment: This sequence change replaces valine, which is neutral and non-polar, with alanine, which is neutral and non-polar, at codon 1418 of the FANCA protein (p.Val1418Ala). This variant is not present in population databases (gnomAD no frequency). This variant has not been reported in the literature in individuals affected with FANCA-related conditions. Advanced modeling of protein sequence and biophysical properties (such as structural, functional, and spatial information, amino acid conservation, physicochemical variation, residue mobility, and thermodynamic stability) performed at Invitae indicates that this missense variant is not expected to disrupt FANCA protein function. In summary, the available evidence is currently insufficient to determine the role of this variant in disease. Therefore, it has been classified as a Variant of Uncertain Significance.